The following is an entry in ClinVar:

ClinVar aggregate classification (germline): Uncertain significance (1 of 4 stars; one submission).

Allele frequency attached by ClinVar (database versions not stated): gnomAD exomes below 0.00001.
gnomAD v4.1: 1 of 1,606,558 alleles (0.000062%); highest among the groups gnomAD compares: South Asian, 0.0011%; no homozygotes.

Submission:

Labcorp Genetics (formerly Invitae), Labcorp
Classification: Uncertain significance. Last evaluated: 2022-10-15. Review status: criteria provided, single submitter. Criteria: Invitae Variant Classification Sherloc (09022015). Collection method: clinical testing. Allele origin: germline.
Comment: In summary, the available evidence is currently insufficient to determine the role of this variant in disease. Therefore, it has been classified as a Variant of Uncertain Significance. Algorithms developed to predict the effect of sequence changes on RNA splicing suggest that this variant may disrupt the consensus splice site. This variant has not been reported in the literature in individuals affected with PRPF8-related conditions. This variant is not present in population databases (gnomAD no frequency). This sequence change falls in intron 20 of the PRPF8 gene. It does not directly change the encoded amino acid sequence of the PRPF8 protein.

NM_006445.4(PRPF8):c.3061-15G>C

Gene: PRPF8 (pre-mRNA processing factor 8; minus strand). Cytogenetic location: 17p13.3.
Variant type: single nucleotide variant.
Coding change: c.3061-15G>C on transcript NM_006445.4 (MANE Select); 15 bases into the intron before coding-DNA position 3061, G replaced by C.
Molecular consequence: intron variant.
Genome position (GRCh38, 1-based): chr17:1,674,695, C>G on the plus strand (G>C on the coding strand, the complement: PRPF8 is on the minus strand). VCF-style: chr17-1674695-C-G. GRCh37 (hg19) VCF-style: chr17-1577989-C-G.
Identifiers: ClinVar variation 2128427 (VCV002128427.4), dbSNP rs2543763585, ClinGen allele CA2580092444.
Genomic context (GRCh38, chr17:1,674,695, plus strand): 5'-ACTGCAGGCCTCTGATGATCCCATATGAATTCGTATGGTTCATGTCCTAGAAAGAAAGAA[C>G]TACAATTCTTAAGAATGTGAGCCATGCCCCAGGATTCTCCAGAGTTAACCTCTTTTGTTC-3'